The following is an entry in ClinVar:

NM_000492.4(CFTR):c.2725A>G (p.Ser909Gly)

Gene: CFTR (CF transmembrane conductance regulator; plus strand). Cytogenetic location: 7q31.2.
Variant type: single nucleotide variant.
Coding change: c.2725A>G on transcript NM_000492.4 (MANE Select); coding-DNA position 2725, A replaced by G.
Protein change: p.Ser909Gly; replaces serine 909 with glycine.
Molecular consequence: missense variant.
Genome position (GRCh38, 1-based): chr7:117,603,599, A>G. VCF-style: chr7-117603599-A-G. GRCh37 (hg19) VCF-style: chr7-117243653-A-G.
Other names: short protein forms S909G.
Identifiers: ClinVar variation 1795230 (VCV001795230.5), dbSNP rs1792257718, ClinGen allele CA368986513.

ClinVar aggregate classification (germline): Uncertain significance. Review status: criteria provided, multiple submitters, no conflicts (2 of 4 stars). 2 submissions from 2 submitters: Uncertain significance (2). Last evaluated 2024-04-23.

Conditions:
Cystic fibrosis (CF). Also called: MUCOVISCIDOSIS. Identifiers: Orphanet 586, MedGen C0010674, MONDO:0009061, OMIM 219700. Disease mechanism: loss of function.

Allele frequency attached by ClinVar (database versions not stated): TOPMed below 0.00001; gnomAD exomes below 0.00001.
gnomAD v4.1: 3 of 1,614,066 alleles (0.00019%); highest among the groups gnomAD compares: Non-Finnish European, 0.00017%; no homozygotes.

Submissions (2):

Labcorp Genetics (formerly Invitae), Labcorp
Classification: Uncertain significance for Cystic fibrosis. Last evaluated: 2024-04-23. Review status: criteria provided, single submitter. Criteria: Invitae Variant Classification Sherloc (09022015). Collection method: clinical testing. Allele origin: germline.
Comment: This sequence change replaces serine, which is neutral and polar, with glycine, which is neutral and non-polar, at codon 909 of the CFTR protein (p.Ser909Gly). This variant is not present in population databases (gnomAD no frequency). This variant has not been reported in the literature in individuals affected with CFTR-related conditions. ClinVar contains an entry for this variant (Variation ID: 1795230). Advanced modeling of protein sequence and biophysical properties (such as structural, functional, and spatial information, amino acid conservation, physicochemical variation, residue mobility, and thermodynamic stability) performed at Invitae indicates that this missense variant is not expected to disrupt CFTR protein function with a negative predictive value of 80%. In summary, the available evidence is currently insufficient to determine the role of this variant in disease. Therefore, it has been classified as a Variant of Uncertain Significance.

Ambry Genetics
Classification: Uncertain significance for Cystic fibrosis. Last evaluated: 2021-08-04. Review status: criteria provided, single submitter. Criteria: Ambry Variant Classification Scheme 2023. Collection method: clinical testing. Allele origin: germline.
Comment: The p.S909G variant (also known as c.2725A>G), located in coding exon 17 of the CFTR gene, results from an A to G substitution at nucleotide position 2725. The serine at codon 909 is replaced by glycine, an amino acid with similar properties. This amino acid position is conserved. In addition, the in silico prediction for this alteration is inconclusive. Since supporting evidence is limited at this time, the clinical significance of this alteration remains unclear.